The following is an entry in ClinVar:

ClinVar aggregate classification (germline): Uncertain significance (1 of 4 stars; one submission).

Submission:

Labcorp Genetics (formerly Invitae), Labcorp
Classification: Uncertain significance. Last evaluated: 2023-08-04. Review status: criteria provided, single submitter. Criteria: Invitae Variant Classification Sherloc (09022015). Collection method: clinical testing. Allele origin: germline.
Comment: In summary, the available evidence is currently insufficient to determine the role of this variant in disease. Therefore, it has been classified as a Variant of Uncertain Significance. This variant has not been reported in the literature in individuals affected with WFS1-related conditions. Advanced modeling of protein sequence and biophysical properties (such as structural, functional, and spatial information, amino acid conservation, physicochemical variation, residue mobility, and thermodynamic stability) has been performed at Invitae for this missense variant, however the output from this modeling did not meet the statistical confidence thresholds required to predict the impact of this variant on WFS1 protein function. This variant is not present in population databases (gnomAD no frequency). This sequence change replaces proline, which is neutral and non-polar, with arginine, which is basic and polar, at codon 856 of the WFS1 protein (p.Pro856Arg).

NM_006005.3(WFS1):c.2567C>G (p.Pro856Arg)

Gene: WFS1 (wolframin ER transmembrane glycoprotein; plus strand). Cytogenetic location: 4p16.1.
Variant type: single nucleotide variant.
Coding change: c.2567C>G on transcript NM_006005.3 (MANE Select); coding-DNA position 2567, C replaced by G.
Protein change: p.Pro856Arg; replaces proline 856 with arginine.
Molecular consequence: missense variant.
Genome position (GRCh38, 1-based): chr4:6,302,362, C>G. VCF-style: chr4-6302362-C-G. GRCh37 (hg19) VCF-style: chr4-6304089-C-G.
Other names: c.2567C>G, p.Pro856Arg (NM_001145853.1); short protein forms P856R.
Identifiers: ClinVar variation 2849295 (VCV002849295.3), dbSNP rs767210298, ClinGen allele CA356179259.
Genomic context (GRCh38, chr4:6,302,362, plus strand): 5'-AGTGGCCTGTCTTCGAGCTCAAGGCCATCAGCTGCCTCAACTGCATGGCCCAGCTCTCAC[C>G]CACCAGGCGGCACGTGAAGATCGAGCACGACTGGCGCAGCACCGTGCATGGCGCCGTGAA-3'
Protein context (NP_005996.2, residues 846-866): SCLNCMAQLS[Pro856Arg]TRRHVKIEHD